The following is an entry in ClinVar:

NM_170707.4(LMNA):c.73C>G (p.Arg25Gly)

Genes: LMNA (lamin A/C; plus strand), LOC129931597 (ATAC-STARR-seq lymphoblastoid silent region 1421; plus strand). Cytogenetic location: 1q22.
Variant type: single nucleotide variant.
Coding change: c.73C>G on transcript NM_170707.4 (MANE Select); coding-DNA position 73, C replaced by G.
Protein change: p.Arg25Gly; replaces arginine 25 with glycine.
Molecular consequence: missense variant.
Genome position (GRCh38, 1-based): chr1:156,114,991, C>G. VCF-style: chr1-156114991-C-G. GRCh37 (hg19) VCF-style: chr1-156084782-C-G.
Other names: c.73C>G, p.Arg25Gly (NM_001282625.2, NM_001282626.2, NM_005572.4 and 1 more transcripts); short protein forms R25G.
Identifiers: ClinVar variation 66928 (VCV000066928.19), dbSNP rs58327533, ClinGen allele CA018531.
Genomic context (GRCh38, chr1:156,114,991, plus strand): 5'-TCCCAGCGGCGCGCCACCCGCAGCGGGGCGCAGGCCAGCTCCACTCCGCTGTCGCCCACC[C>G]GCATCACCCGGCTGCAGGAGAAGGAGGACCTGCAGGAGCTCAATGATCGCTTGGCGGTCT-3'
Protein context (NP_733821.1, residues 15-35): QASSTPLSPT[Arg25Gly]ITRLQEKEDL

ClinVar aggregate classification (germline): Pathogenic/Likely pathogenic. Review status: criteria provided, multiple submitters, no conflicts (2 of 4 stars). 6 submissions from 6 submitters: Pathogenic (4); Likely pathogenic (1). 1 of the submissions does not count toward it. Last evaluated 2024-02-15.

Conditions:
Cardiovascular phenotype. Identifiers: MedGen CN230736.
Charcot-Marie-Tooth disease type 2. Also called: Charcot-Marie-Tooth type 2. Identifiers: Orphanet 64746, MedGen C0270914, MONDO:0018993.
Emery-Dreifuss muscular dystrophy 2, autosomal dominant (EDMD2). Also called: SCAPULOILIOPERONEAL ATROPHY WITH CARDIOPATHY; Limb-girdle muscular dystrophy, type 1B; Muscular dystrophy, proximal, type 1B; Benign scapuloperoneal muscular dystrophy with cardiomyopathy; LMNA-Related Emery-Dreifuss Muscular Dystrophy, Autosomal; HAUPTMANN-THANNHAUSER MUSCULAR DYSTROPHY. Identifiers: Orphanet 261, Orphanet 264, MedGen C0410190, MONDO:0021569, OMIM 181350.

Submissions (6):

Kariminejad - Najmabadi Pathology & Genetics Center
Classification: Pathogenic for Emery-Dreifuss muscular dystrophy 2, autosomal dominant. Last evaluated: 2024-02-15. Review status: criteria provided, single submitter. Criteria: ACMG Guidelines, 2015. Collection method: clinical testing. Allele origin: germline. Inheritance: Autosomal dominant inheritance. Affected: yes.
Comment: (PM1,PM2,PM5,PP3_Moderate,PP5_Moderate)

GeneDx
Classification: Pathogenic. Last evaluated: 2024-02-14. Review status: criteria provided, single submitter. Criteria: GeneDx Variant Classification Process June 2021. Collection method: clinical testing. Allele origin: germline. Affected: yes.
Comment: Not observed at significant frequency in large population cohorts (gnomAD); Published functional studies demonstrate a damaging effect on lamin A polymerisation (PMID: 31296869); In silico analysis supports that this missense variant has a deleterious effect on protein structure/function; This variant is associated with the following publications: (PMID: 18646565, 14684700, 28367307, 29764566, 32268084, 31345222, 31476771, 20092787, 29895224, 26659599, 31296869, 10939567, 30402260, 24623722)

Labcorp Genetics (formerly Invitae), Labcorp
Classification: Pathogenic for Charcot-Marie-Tooth disease type 2. Last evaluated: 2023-12-06. Review status: criteria provided, single submitter. Criteria: Invitae Variant Classification Sherloc (09022015). Collection method: clinical testing. Allele origin: germline.
Comment: This sequence change replaces arginine, which is basic and polar, with glycine, which is neutral and non-polar, at codon 25 of the LMNA protein (p.Arg25Gly). This variant is not present in population databases (gnomAD no frequency). This missense change has been observed in individuals with limb-girdle muscular dystrophy and cardiac conduction defects (PMID: 14684700, 20092787). It has also been observed to segregate with disease in related individuals. This variant is also known as R26G. ClinVar contains an entry for this variant (Variation ID: 66928). Advanced modeling of protein sequence and biophysical properties (such as structural, functional, and spatial information, amino acid conservation, physicochemical variation, residue mobility, and thermodynamic stability) performed at Invitae indicates that this missense variant is expected to disrupt LMNA protein function with a positive predictive value of 95%. Experimental studies have shown that this missense change affects LMNA function (PMID: 31296869). For these reasons, this variant has been classified as Pathogenic.

Ambry Genetics
Classification: Pathogenic for Cardiovascular phenotype. Last evaluated: 2021-02-22. Review status: criteria provided, single submitter. Criteria: Ambry Variant Classification Scheme 2023. Collection method: clinical testing. Allele origin: germline.
Comment: The p.R25G pathogenic mutation (also known as c.73C>G), located in coding exon 1 of the LMNA gene, results from a C to G substitution at nucleotide position 73. The arginine at codon 25 is replaced by glycine, an amino acid with dissimilar properties. This mutation (also referred to as R26G) has been detected in individuals with laminopathy-related phenotypes including limb-girdle muscular dystrophy and Emery-Dreifuss muscular dystrophy, and has shown segregation with disease in affected members of a family with neuromuscular disorders, dilated cardiomyopathy and arrhythmia (Vytopil M et al. J Med Genet, 2003 Dec;40:e132; Astejada MN et al. Acta Myol, 2007 Dec;26:159-64; Yuan WL et al. Chin Med J (Engl), 2009 Dec;122:2840-5; Cappelletti C et al. Nucleus, 2018;9:398-409). This variant was not reported in population-based cohorts in the Genome Aggregation Database (gnomAD). In addition, this alteration is predicted to be deleterious by in silico analysis. Based on the supporting evidence, this alteration is interpreted as a disease-causing mutation.

Eurofins Ntd Llc (ga)
Classification: Likely pathogenic. Last evaluated: 2017-07-06. Review status: criteria provided, single submitter. Criteria: EGL Classification Definitions 2015. Collection method: clinical testing. Allele origin: germline. Observed: 2 variant alleles, 2 heterozygotes.

Epithelial Biology;  Institute of Medical Biology, Singapore
No classification provided. Review status: no classification provided. Collection method: not provided. Allele origin: not provided. Not counted in ClinVar's aggregate classification.

Literature cited by the submitters: PubMed 14684700 (cited by Labcorp Genetics (formerly Invitae), Labcorp and Ambry Genetics); PubMed 20092787 (cited by Labcorp Genetics (formerly Invitae), Labcorp and Ambry Genetics); PubMed 31296869 (cited by Labcorp Genetics (formerly Invitae), Labcorp); PubMed 18646565 (cited by Ambry Genetics); PubMed 29895224 (cited by Ambry Genetics); PubMed 31476771 (cited by Ambry Genetics).